The following is an entry in ClinVar:

ClinVar aggregate classification (germline): Uncertain significance (1 of 4 stars; one submission).

Submission:

Women's Health and Genetics/Laboratory Corporation of America, LabCorp
Classification: Uncertain significance. Last evaluated: 2025-07-21. Review status: criteria provided, single submitter. Criteria: LabCorp Variant Classification Summary - May 2015. Collection method: clinical testing. Allele origin: germline.
Comment: Variant summary: TRIP12 c.3473C>T (p.Ser1158Phe) results in a non-conservative amino acid change in the encoded protein sequence. Algorithms developed to predict the effect of missense changes on protein structure and function are either unavailable or do not agree on the potential impact of this missense change. The variant was absent in 249066 control chromosomes. The available data on variant occurrences in the general population are insufficient to allow any conclusion about variant significance. To our knowledge, no occurrence of c.3473C>T in individuals affected with Clark-Baraitser Syndrome and no experimental evidence demonstrating its impact on protein function have been reported. No submitters have cited clinical-significance assessments for this variant to ClinVar. Based on the evidence outlined above, the variant was classified as uncertain significance.

NM_001348323.3(TRIP12):c.3473C>T (p.Ser1158Phe)

Gene: TRIP12 (thyroid hormone receptor interactor 12; minus strand). Cytogenetic location: 2q36.3.
Variant type: single nucleotide variant.
Coding change: c.3473C>T on transcript NM_001348323.3 (MANE Select); coding-DNA position 3473, C replaced by T.
Protein change: p.Ser1158Phe; replaces serine 1158 with phenylalanine.
Molecular consequence: missense variant.
Genome position (GRCh38, 1-based): chr2:229,798,884, G>A on the plus strand (C>T on the coding strand, the complement: TRIP12 is on the minus strand). VCF-style: chr2-229798884-G-A. GRCh37 (hg19) VCF-style: chr2-230663600-G-A.
Other names: c.3392C>T, p.Ser1131Phe (NM_001284214.2, NM_001348315.2); c.3347C>T, p.Ser1116Phe (NM_001284215.2, NM_001348316.2, NM_001348317.1 and 1 more transcripts); c.2438C>T, p.Ser813Phe (NM_001284216.2); c.3473C>T, p.Ser1158Phe (NM_001348319.1, NM_001348320.2, NM_001348322.1 and 4 more transcripts); c.3476C>T, p.Ser1159Phe (NM_001348321.1, NM_001348328.1, NM_001348329.2 and 1 more transcripts); c.3266C>T, p.Ser1089Phe (NM_001348331.1); c.3386C>T, p.Ser1129Phe (NM_001348332.1); c.3395C>T, p.Ser1132Phe (NM_001348333.1); and 1 more; short protein forms S1131F, S1132F, S1159F, S1083F, S1089F, S813F, S1116F, S1129F.
Identifiers: ClinVar variation 4525758 (VCV004525758.1).
Genomic context (GRCh38, chr2:229,798,884, plus strand): 5'-AAGTTTTTCTGATATGGGAATAGAAGAAACATAAAACTCCCCCCACTTCACCTATTATTG[G>A]AGATGGTATCCTTTGAGGCAGCCCTGGCAAGGCCACTACCTCCCGCAGTCCGTGCTGGCT-3'
Protein context (NP_001335252.1, residues 1148-1168): LARAASKDTI[Ser1158Phe]NNREKIKGWI